The following is an entry in ClinVar:

ClinVar aggregate classification (germline): Uncertain significance (1 of 4 stars; one submission).

Conditions:
Combined immunodeficiency due to LRBA deficiency. Also called: Common variable immunodeficiency 8, with autoimmunity. Identifiers: Orphanet 445018, MedGen C3553512, MONDO:0013863, OMIM 614700.

gnomAD v4.1: 1 of 1,613,838 alleles (0.000062%); no homozygotes.

Submission:

Labcorp Genetics (formerly Invitae), Labcorp
Classification: Uncertain significance for Combined immunodeficiency due to LRBA deficiency. Last evaluated: 2022-02-10. Review status: criteria provided, single submitter. Criteria: Invitae Variant Classification Sherloc (09022015). Collection method: clinical testing. Allele origin: germline.
Comment: In summary, the available evidence is currently insufficient to determine the role of this variant in disease. Therefore, it has been classified as a Variant of Uncertain Significance. Algorithms developed to predict the effect of missense changes on protein structure and function (SIFT, PolyPhen-2, Align-GVGD) all suggest that this variant is likely to be tolerated. This variant has not been reported in the literature in individuals affected with LRBA-related conditions. This variant is not present in population databases (gnomAD no frequency). This sequence change replaces isoleucine, which is neutral and non-polar, with lysine, which is basic and polar, at codon 1054 of the LRBA protein (p.Ile1054Lys).

NM_001364905.1(LRBA):c.3161T>A (p.Ile1054Lys)

Gene: LRBA (LPS responsive beige-like anchor protein; minus strand). Cytogenetic location: 4q31.3.
Variant type: single nucleotide variant.
Coding change: c.3161T>A on transcript NM_001364905.1 (MANE Select); coding-DNA position 3161, T replaced by A.
Protein change: p.Ile1054Lys; replaces isoleucine 1054 with lysine.
Molecular consequence: missense variant.
Genome position (GRCh38, 1-based): chr4:150,852,549, A>T on the plus strand (T>A on the coding strand, the complement: LRBA is on the minus strand). VCF-style: chr4-150852549-A-T. GRCh37 (hg19) VCF-style: chr4-151773701-A-T.
Other names: c.3161T>A, p.Ile1054Lys (NM_001199282.3, NM_001367550.1, NM_006726.5); short protein forms I1054K.
Identifiers: ClinVar variation 1432179 (VCV001432179.5), dbSNP rs2126922575, ClinGen allele CA358459395.